The following is an entry in ClinVar:

NM_007294.4(BRCA1):c.81-2870G>T

Gene: BRCA1 (BRCA1 DNA repair associated; minus strand). Cytogenetic location: 17q21.31.
Variant type: single nucleotide variant.
Coding change: c.81-2870G>T on transcript NM_007294.4 (MANE Select); 2870 bases into the intron before coding-DNA position 81, G replaced by T.
Molecular consequence: intron variant.
Genome position (GRCh38, 1-based): chr17:43,118,649, C>A on the plus strand (G>T on the coding strand, the complement: BRCA1 is on the minus strand). VCF-style: chr17-43118649-C-A. GRCh37 (hg19) VCF-style: chr17-41270666-C-A.
Other names: IVS 2-2870G>T; c.-61-2870G>T (NM_001408458.1, NM_001408470.1, NM_001407848.1 and 44 more transcripts); c.-219+6628G>T (NM_001407967.1); c.-170+6628G>T (NM_001407959.1); c.-8+6628G>T (NM_001407931.1, NM_001407747.1); c.-223-2870G>T (NM_001407962.1, NM_001408512.1, NM_001408510.1 and 1 more transcripts); c.-108-2870G>T (NM_001407885.1, NM_001407886.1, NM_001408509.1 and 51 more transcripts); c.-177-2870G>T (NM_001407746.1, NM_001408468.1, NM_001407842.1 and 12 more transcripts); and 15 more.
Identifiers: ClinVar variation 209552 (VCV000209552.2), dbSNP rs8176087, ClinGen allele CA276521.
Genomic context (GRCh38, chr17:43,118,649, plus strand): 5'-TTTTTAATTTTTAATGTTAATTAATTTTTGTAGAGACAGGATCTCACTATGATGCCCATG[C>A]TGGTCTTGAATGCCTGGCATCAAGCAATCTTCCTGCTTCGGCTTCCCAAAGTGCTGGGAT-3'

ClinVar aggregate classification (germline): Benign (3 of 4 stars; one submission).

Conditions:
Breast-ovarian cancer, familial, susceptibility to, 1 (BROVCA1). Also called: BRCA1 Hereditary Breast and Ovarian Cancer; OVARIAN CANCER, SUSCEPTIBILITY TO. Identifiers: Orphanet 145, MedGen C2676676, MONDO:0011450, OMIM 604370. Disease mechanism: loss of function.

Allele frequency attached by ClinVar (database versions not stated): TOPMed 0.28324; gnomAD 0.29147 and 0.30015; 1000 Genomes Project 30x 0.32933; 1000 Genomes Project 0.33506.

Submission:

Evidence-based Network for the Interpretation of Germline Mutant Alleles (ENIGMA)
Classification: Benign for Breast-ovarian cancer, familial 1. Last evaluated: 2015-01-12. Review status: reviewed by expert panel. Criteria: ENIGMA BRCA1/2 Classification Criteria (2015). Collection method: curation. Allele origin: germline.
Comment: Class 1 not pathogenic based on frequency >1% in an outbred sampleset. Frequency 0.3304 (Asian), 0.128 (African), 0.3575 (European), derived from 1000 genomes (2012-04-30).